The following is an entry in ClinVar:

ClinVar aggregate classification (germline): Uncertain significance (1 of 4 stars; one submission).

Conditions:
Multiple endocrine neoplasia, type 2 (MEN2). Identifiers: Orphanet 653, MedGen C4048306, MONDO:0019003. Disease mechanism: gain of function.

Submission:

Labcorp Genetics (formerly Invitae), Labcorp
Classification: Uncertain significance for Multiple endocrine neoplasia, type 2. Last evaluated: 2025-10-13. Review status: criteria provided, single submitter. Criteria: Invitae Variant Classification Sherloc (09022015). Collection method: clinical testing. Allele origin: germline.
Comment: This sequence change replaces asparagine, which is neutral and polar, with aspartic acid, which is acidic and polar, at codon 113 of the RET protein (p.Asn113Asp). This variant is not present in population databases (gnomAD no frequency). This variant has not been reported in the literature in individuals affected with RET-related conditions. ClinVar contains an entry for this variant (Variation ID: 2048904). An algorithm developed to predict the effect of missense changes on protein structure and function (PolyPhen-2) suggests that this variant is likely to be tolerated. In summary, the available evidence is currently insufficient to determine the role of this variant in disease. Therefore, it has been classified as a Variant of Uncertain Significance.

NM_020975.6(RET):c.337A>G (p.Asn113Asp)

Gene: RET (ret proto-oncogene; plus strand). Cytogenetic location: 10q11.21.
Variant type: single nucleotide variant.
Coding change: c.337A>G on transcript NM_020975.6 (MANE Select); coding-DNA position 337, A replaced by G.
Protein change: p.Asn113Asp; replaces asparagine 113 with aspartic acid.
Molecular consequence: missense variant.
Genome position (GRCh38, 1-based): chr10:43,100,722, A>G. VCF-style: chr10-43100722-A-G. GRCh37 (hg19) VCF-style: chr10-43596170-A-G.
Other names: c.337A>G, p.Asn113Asp (NM_000323.2, NM_001406743.1, NM_001406744.1 and 20 more transcripts); c.337A>G, p.Thr113Ala (NM_001406761.1, NM_001406762.1, NM_001406764.1 and 4 more transcripts); c.337A>G, p.Ser113Gly (NM_001406766.1, NM_001406767.1, NM_001406770.1); c.337A>G, p.Arg113Gly (NM_001406775.1, NM_001406776.1, NM_001406777.1 and 1 more transcripts); short protein forms N113D, S113G, T113A, R113G.
Identifiers: ClinVar variation 2048904 (VCV002048904.3), dbSNP rs1478519389, ClinGen allele CA376770602.